The following is an entry in ClinVar:

ClinVar aggregate classification (germline): Uncertain significance (1 of 4 stars; one submission).

Submission:

Women's Health and Genetics/Laboratory Corporation of America, LabCorp
Classification: Uncertain significance. Last evaluated: 2019-01-30. Review status: criteria provided, single submitter. Criteria: LabCorp Variant Classification Summary - May 2015. Collection method: clinical testing. Allele origin: germline.
Comment: Variant summary: NBN c.637T>G (p.Ser213Ala) results in a conservative amino acid change in the encoded protein sequence. Three of five in-silico tools predict a damaging effect of the variant on protein function. The variant was absent in 245794 control chromosomes (gnomAD). The available data on variant occurrences in the general population are insufficient to allow any conclusion about variant significance. To our knowledge, no occurrence of c.637T>G in individuals affected with Nijmegen Breakage Syndrome and no experimental evidence demonstrating its impact on protein function have been reported. No clinical diagnostic laboratories have submitted clinical-significance assessments for this variant to ClinVar after 2014. Based on the evidence outlined above, the variant was classified as uncertain significance.

NM_002485.5(NBN):c.637T>G (p.Ser213Ala)

Gene: NBN (nibrin; minus strand). Cytogenetic location: 8q21.3.
Variant type: single nucleotide variant.
Coding change: c.637T>G on transcript NM_002485.5 (MANE Select); coding-DNA position 637, T replaced by G.
Protein change: p.Ser213Ala; replaces serine 213 with alanine.
Molecular consequence: missense variant.
Genome position (GRCh38, 1-based): chr8:89,971,238, A>C on the plus strand (T>G on the coding strand, the complement: NBN is on the minus strand). VCF-style: chr8-89971238-A-C. GRCh37 (hg19) VCF-style: chr8-90983466-A-C.
Other names: c.391T>G, p.Ser131Ala (NM_001024688.3); short protein forms S131A, S213A.
Identifiers: ClinVar variation 928488 (VCV000928488.1), dbSNP rs1811503894, ClinGen allele CA371659170.